The following is an entry in ClinVar:

NM_001256012.3(MYH10):c.2092A>G (p.Thr698Ala)

Gene: MYH10 (myosin heavy chain 10; minus strand). Cytogenetic location: 17p13.1.
Variant type: single nucleotide variant.
Coding change: c.2092A>G on transcript NM_001256012.3 (MANE Select); coding-DNA position 2092, A replaced by G.
Protein change: p.Thr698Ala; replaces threonine 698 with alanine.
Molecular consequence: missense variant.
Genome position (GRCh38, 1-based): chr17:8,521,151, T>C on the plus strand (A>G on the coding strand, the complement: MYH10 is on the minus strand). VCF-style: chr17-8521151-T-C. GRCh37 (hg19) VCF-style: chr17-8424469-T-C.
Other names: c.2026A>G, p.Thr676Ala (NM_001256095.2); c.2029A>G, p.Thr677Ala (NM_001375266.1); c.1999A>G, p.Thr667Ala (NM_005964.5); short protein forms T667A, T676A, T677A, T698A.
Identifiers: ClinVar variation 4883301 (VCV004883301.2).

ClinVar aggregate classification (germline): Uncertain significance (1 of 4 stars; one submission).

Conditions:
Complex neurodevelopmental disorder with or without congenital anomalies. Identifiers: MedGen CN315647, MONDO:0100465.

gnomAD v4.1: 8 of 1,614,136 alleles (0.0005%); highest among the groups gnomAD compares: East Asian, 0.0022%; no homozygotes.

Submission:

Dasa
Classification: Uncertain significance for complex neurodevelopmental disorder with or without congenital anomalies. Last evaluated: 2026-02-02. Review status: criteria provided, single submitter. Criteria: DASA Assertion Criteria. Collection method: clinical testing. Allele origin: germline.
Comment: NM_001256012.3(MYH10):c.2092A>G (p.Thr698Ala) is a missense variant that results in the substitution of threonine with alanine. This variant is rare in population databases. Computational prediction algorithms are consistent with a deleterious effect. The currently available literature and clinical evidence are not sufficient to establish a definitive association between this variant and the reported condition. Therefore, this variant is classified as a variant of uncertain significance.